The following is an entry in ClinVar:

NM_000057.4(BLM):c.830A>G (p.Glu277Gly)

Gene: BLM (BLM RecQ like helicase; plus strand). Cytogenetic location: 15q26.1.
Variant type: single nucleotide variant.
Coding change: c.830A>G on transcript NM_000057.4 (MANE Select); coding-DNA position 830, A replaced by G.
Protein change: p.Glu277Gly; replaces glutamic acid 277 with glycine.
Molecular consequence: missense variant. On other transcripts: 5 prime UTR variant (1).
Genome position (GRCh38, 1-based): chr15:90,751,817, A>G. VCF-style: chr15-90751817-A-G. GRCh37 (hg19) VCF-style: chr15-91295047-A-G.
Other names: c.830A>G, p.Glu277Gly (NM_001287246.2, NM_001287247.2); c.-462A>G (NM_001287248.2); short protein forms E277G.
Identifiers: ClinVar variation 3480798 (VCV003480798.1).

ClinVar aggregate classification (germline): Uncertain significance (1 of 4 stars; one submission).

Conditions:
Hereditary cancer-predisposing syndrome. Also called: Tumor predisposition; Neoplastic Syndromes, Hereditary; Hereditary neoplastic syndrome; Hereditary Cancer Syndrome. Identifiers: Orphanet 140162, MedGen C0027672, MeSH D009386, MONDO:0015356.

Submission:

Ambry Genetics
Classification: Uncertain significance for Hereditary cancer-predisposing syndrome. Last evaluated: 2024-11-23. Review status: criteria provided, single submitter. Criteria: Ambry Variant Classification Scheme 2023. Collection method: clinical testing. Allele origin: germline.
Comment: The p.E277G variant (also known as c.830A>G), located in coding exon 3 of the BLM gene, results from an A to G substitution at nucleotide position 830. The glutamic acid at codon 277 is replaced by glycine, an amino acid with similar properties. This amino acid position is conserved. In addition, this alteration is predicted to be tolerated by in silico analysis. Based on the available evidence, the clinical significance of this variant remains unclear.